The following is an entry in ClinVar:

NM_001384125.1(BLTP1):c.2014G>T (p.Ala672Ser)

Gene: BLTP1 (bridge-like lipid transfer protein family member 1; plus strand). Cytogenetic location: 4q27.
Variant type: single nucleotide variant.
Coding change: c.2014G>T on transcript NM_001384125.1 (MANE Select); coding-DNA position 2014, G replaced by T.
Protein change: p.Ala672Ser; replaces alanine 672 with serine.
Molecular consequence: missense variant.
Genome position (GRCh38, 1-based): chr4:122,209,900, G>T. VCF-style: chr4-122209900-G-T. GRCh37 (hg19) VCF-style: chr4-123131055-G-T.
Other names: c.2014G>T, p.Ala672Ser (NM_015312.4); short protein forms A672S.
Identifiers: ClinVar variation 1695623 (VCV001695623.2), dbSNP rs776626539, ClinGen allele CA3065798.

ClinVar aggregate classification (germline): Uncertain significance (1 of 4 stars; one submission).

Allele frequency attached by ClinVar (database versions not stated): TOPMed 0.00004.
gnomAD v4.1: 23 of 1,613,346 alleles (0.0014%); highest among the groups gnomAD compares: Admixed American, 0.038%; no homozygotes.

Submission:

GeneDx
Classification: Uncertain significance. Last evaluated: 2022-01-08. Review status: criteria provided, single submitter. Criteria: GeneDx Variant Classification Process June 2021. Collection method: clinical testing. Allele origin: germline. Affected: yes.
Comment: In silico analysis supports that this missense variant does not alter protein structure/function; Has not been previously published as pathogenic or benign to our knowledge